The following is an entry in ClinVar:

NM_001955.5(EDN1):c.464G>A (p.Cys155Tyr)

Gene: EDN1 (endothelin 1; plus strand). Cytogenetic location: 6p24.1.
Variant type: single nucleotide variant.
Coding change: c.464G>A on transcript NM_001955.5 (MANE Select); coding-DNA position 464, G replaced by A.
Protein change: p.Cys155Tyr; replaces cysteine 155 with tyrosine.
Molecular consequence: missense variant.
Genome position (GRCh38, 1-based): chr6:12,294,335, G>A. VCF-style: chr6-12294335-G-A. GRCh37 (hg19) VCF-style: chr6-12294568-G-A.
Other names: c.461G>A, p.Cys154Tyr (NM_001168319.2); c.464G>A, p.Cys155Tyr (NM_001416563.1, NM_001416564.1, NM_001416565.1); short protein forms C155Y, C154Y.
Identifiers: ClinVar variation 2554357 (VCV002554357.5), dbSNP rs768294608, ClinGen allele CA3638717.

ClinVar aggregate classification (germline): Uncertain significance. Review status: criteria provided, multiple submitters, no conflicts (2 of 4 stars). 2 submissions from 2 submitters: Uncertain significance (2). Last evaluated 2023-12-06.

Conditions:
Inborn genetic diseases. Identifiers: MedGen C0950123, MeSH D030342.

Allele frequency attached by ClinVar (database versions not stated): gnomAD 0.00006; gnomAD exomes 0.00008; TOPMed 0.00008; ExAC 0.00006.
gnomAD v4.1: 125 of 1,614,074 alleles (0.0077%); highest among the groups gnomAD compares: Middle Eastern, 0.016%; no homozygotes.

Submissions (2):

Labcorp Genetics (formerly Invitae), Labcorp
Classification: Uncertain significance. Last evaluated: 2023-12-06. Review status: criteria provided, single submitter. Criteria: Invitae Variant Classification Sherloc (09022015). Collection method: clinical testing. Allele origin: germline.
Comment: This sequence change replaces cysteine, which is neutral and slightly polar, with tyrosine, which is neutral and polar, at codon 155 of the EDN1 protein (p.Cys155Tyr). This variant is present in population databases (rs768294608, gnomAD 0.02%). This variant has not been reported in the literature in individuals affected with EDN1-related conditions. ClinVar contains an entry for this variant (Variation ID: 2554357). An algorithm developed to predict the effect of missense changes on protein structure and function (PolyPhen-2) suggests that this variant is likely to be disruptive. In summary, the available evidence is currently insufficient to determine the role of this variant in disease. Therefore, it has been classified as a Variant of Uncertain Significance.

Ambry Genetics
Classification: Uncertain significance for Inborn genetic diseases. Last evaluated: 2023-03-28. Review status: criteria provided, single submitter. Criteria: Ambry Variant Classification Scheme 2023. Collection method: clinical testing. Allele origin: germline.